The following is an entry in ClinVar:

NM_170675.5(MEIS2):c.460C>A (p.Leu154Ile)

Gene: MEIS2 (Meis homeobox 2; minus strand). Cytogenetic location: 15q14.
Variant type: single nucleotide variant.
Coding change: c.460C>A on transcript NM_170675.5 (MANE Select); coding-DNA position 460, C replaced by A.
Protein change: p.Leu154Ile; replaces leucine 154 with isoleucine.
Molecular consequence: missense variant. On other transcripts: non-coding transcript variant (1).
Genome position (GRCh38, 1-based): chr15:37,094,556, G>T on the plus strand (C>A on the coding strand, the complement: MEIS2 is on the minus strand). VCF-style: chr15-37094556-G-T. GRCh37 (hg19) VCF-style: chr15-37386757-G-T.
Other names: c.460C>A, p.Leu154Ile (NM_001220482.2, NM_170674.5, NM_170676.5 and 1 more transcripts); c.421C>A, p.Leu141Ile (NM_002399.4, NM_172315.3); c.196C>A, p.Leu66Ile (NM_172316.3); c.460C>A (NM_170674.4); short protein forms L154I, L66I, L141I.
Identifiers: ClinVar variation 2297937 (VCV002297937.3), dbSNP rs753696421, ClinGen allele CA391928251.
Genomic context (GRCh38, chr15:37,094,556, plus strand): 5'-ATCAACACGGGGAGCGTTATTTCCTGCTTACCTTTTCTAACTCCAAAAGATGAAACCTTA[G>T]TACTTGTATTGCTTGTATCATCTGAAAGAAAAGTTCAGGGAATGGAGTTAGAGCTCTGTG-3'
Protein context (NP_733775.1, residues 144-164): DNLMIQAIQV[Leu154Ile]RFHLLELEKV

ClinVar aggregate classification (germline): Uncertain significance. Review status: criteria provided, multiple submitters, no conflicts (2 of 4 stars). 2 submissions from 2 submitters: Uncertain significance (2). Last evaluated 2023-02-26.

Conditions:
Inborn genetic diseases. Identifiers: MedGen C0950123, MeSH D030342.

Submissions (2):

GeneDx
Classification: Uncertain significance. Last evaluated: 2023-02-26. Review status: criteria provided, single submitter. Criteria: GeneDx Variant Classification Process June 2021. Collection method: clinical testing. Allele origin: germline. Affected: yes.
Comment: Not observed at significant frequency in large population cohorts (gnomAD); In silico analysis supports that this missense variant does not alter protein structure/function; Has not been previously published as pathogenic or benign to our knowledge

Ambry Genetics
Classification: Uncertain significance for Inborn genetic diseases. Last evaluated: 2022-06-27. Review status: criteria provided, single submitter. Criteria: Ambry Variant Classification Scheme 2023. Collection method: clinical testing. Allele origin: germline.